The following is an entry in ClinVar:

ClinVar aggregate classification (germline): Pathogenic (1 of 4 stars; one submission).

Conditions:
POLG-related disorder. Also called: POLG-Related Spectrum Disorders; POLG-related condition; POLG-Related Disorders. Identifiers: MedGen C4763519.

Submission:

Myriad Genetics, Inc.
Classification: Pathogenic for POLG-related disorder. Last evaluated: 2025-08-06. Review status: criteria provided, single submitter. Criteria: Myriad Autosomal Dominant, Autosomal Recessive and X-Linked Classification Criteria (2023). Collection method: clinical testing. Allele origin: unknown.
Comment: NM_002693.2(POLG):c.997delC(Q333Rfs*32) is expected to be pathogenic in the context of POLG-related disorders. This variant is predicted to lead to an abnormal or absent protein product due to the creation of a premature termination codon in POLG, a gene where loss-of-function variants are known to be pathogenic. Please note: this variant was assessed in the context of healthy population screening.

NM_002693.3(POLG):c.997del (p.Gln333fs)

Gene: POLG (DNA polymerase gamma, catalytic subunit; minus strand). Cytogenetic location: 15q26.1.
Variant type: Deletion.
Coding change: c.997del on transcript NM_002693.3 (MANE Select); coding-DNA position 997, one base deleted (C; older notation c.997delC).
Protein change: p.Gln333fs; shifts the reading frame from glutamine 333.
Molecular consequence: frameshift variant.
Genome position (GRCh38, 1-based): chr15:89,328,969, G deleted on the plus strand (C on the coding strand, the reverse complement: POLG is on the minus strand); the first of 3 consecutive G bases (chr15:89,328,969-89,328,971); deleting any one gives the same sequence. VCF-style (leftmost placement, unchanged base first): chr15-89328968-TG-T. GRCh37 (hg19) VCF-style: chr15-89872199-TG-T.
Other names: c.997del, p.Gln333fs (NM_001126131.2); short protein forms Q333fs.
Identifiers: ClinVar variation 5014832 (VCV005014832.1).